The following is an entry in ClinVar:

NM_000379.4(XDH):c.2198-2A>C

Gene: XDH (xanthine dehydrogenase; minus strand). Cytogenetic location: 2p23.1.
Variant type: single nucleotide variant.
Coding change: c.2198-2A>C on transcript NM_000379.4 (MANE Select); the canonical splice acceptor site of the intron before coding-DNA position 2198, A replaced by C.
Molecular consequence: splice acceptor variant.
Genome position (GRCh38, 1-based): chr2:31,366,996, T>G on the plus strand (A>C on the coding strand, the complement: XDH is on the minus strand). VCF-style: chr2-31366996-T-G. GRCh37 (hg19) VCF-style: chr2-31589862-T-G.
Identifiers: ClinVar variation 1179049 (VCV001179049.2), dbSNP rs1281159761, ClinGen allele CA346504698.

ClinVar aggregate classification (germline): Likely pathogenic (1 of 4 stars; one submission).

Conditions:
Hereditary xanthinuria type 1 (XAN1). Identifiers: Orphanet 3467, Orphanet 93601, MedGen C0268118, MONDO:0010209, OMIM 278300.

Allele frequency attached by ClinVar (database versions not stated): TOPMed below 0.00001; gnomAD 0.00001.
gnomAD v4.1: 1 of 1,614,022 alleles (0.000062%); highest among the groups gnomAD compares: African/African-American, 0.0013%; no homozygotes.

Submission:

Fulgent Genetics
Classification: Likely pathogenic for Hereditary xanthinuria type 1. Last evaluated: 2021-06-30. Review status: criteria provided, single submitter. Criteria: ACMG Guidelines, 2015. Collection method: clinical testing. Allele origin: unknown.
Comment: This variant has been detected in individual(s) who were sent for testing of Renasight - kidney gene panel.